The following is an entry in ClinVar:

NM_001365999.1(SZT2):c.4909C>T (p.His1637Tyr)

Gene: SZT2 (SZT2 subunit of KICSTOR complex; plus strand). Cytogenetic location: 1p34.2.
Variant type: single nucleotide variant.
Coding change: c.4909C>T on transcript NM_001365999.1 (MANE Select); coding-DNA position 4909, C replaced by T.
Protein change: p.His1637Tyr; replaces histidine 1637 with tyrosine.
Molecular consequence: missense variant.
Genome position (GRCh38, 1-based): chr1:43,431,083, C>T. VCF-style: chr1-43431083-C-T. GRCh37 (hg19) VCF-style: chr1-43896754-C-T.
Other names: c.4738C>T, p.His1580Tyr (NM_015284.4); short protein forms H1580Y, H1637Y.
Identifiers: ClinVar variation 1037223 (VCV001037223.8), dbSNP rs373010198, ClinGen allele CA809399.
Genomic context (GRCh38, chr1:43,431,083, plus strand): 5'-GATGTCTTCATGCTGACTTTGCCCCTGGAAGTGGAGCTCCCCACGGCCTCGGACCCTCAG[C>T]ACCACCGGTGTGGCAGCAAGTTTGGTGGGGGGTTTGGGACCTTTTTAGGGTAGGGGGACC-3'
Protein context (NP_001352928.1, residues 1627-1647): VELPTASDPQ[His1637Tyr]HRSTSESSAS

ClinVar aggregate classification (germline): Uncertain significance (1 of 4 stars; one submission).

Allele frequency attached by ClinVar (database versions not stated): ExAC 0.00001; gnomAD 0.00001; gnomAD exomes 0.00001; TOPMed 0.00001; ESP Exome Variant Server 0.00008.
gnomAD v4.1: 21 of 1,612,774 alleles (0.0013%); highest among the groups gnomAD compares: Non-Finnish European, 0.0014%; no homozygotes.

Submission:

Labcorp Genetics (formerly Invitae), Labcorp
Classification: Uncertain significance. Last evaluated: 2024-10-30. Review status: criteria provided, single submitter. Criteria: Invitae Variant Classification Sherloc (09022015). Collection method: clinical testing. Allele origin: germline.
Comment: This sequence change replaces histidine, which is basic and polar, with tyrosine, which is neutral and polar, at codon 1580 of the SZT2 protein (p.His1580Tyr). This variant is present in population databases (rs373010198, gnomAD 0.004%). This variant has not been reported in the literature in individuals affected with SZT2-related conditions. ClinVar contains an entry for this variant (Variation ID: 1037223). Invitae Evidence Modeling of protein sequence and biophysical properties (such as structural, functional, and spatial information, amino acid conservation, physicochemical variation, residue mobility, and thermodynamic stability) indicates that this missense variant is not expected to disrupt SZT2 protein function with a negative predictive value of 80%. In summary, the available evidence is currently insufficient to determine the role of this variant in disease. Therefore, it has been classified as a Variant of Uncertain Significance.